The following is an entry in ClinVar:

ClinVar aggregate classification (germline): Uncertain significance (1 of 4 stars; one submission).

Submission:

GeneDx
Classification: Uncertain significance. Last evaluated: 2023-02-11. Review status: criteria provided, single submitter. Criteria: GeneDx Variant Classification Process June 2021. Collection method: clinical testing. Allele origin: germline. Affected: yes.
Comment: Not observed at significant frequency in large population cohorts (gnomAD); In silico analysis supports that this missense variant does not alter protein structure/function; Has not been previously published as pathogenic or benign to our knowledge

NM_003611.3(OFD1):c.1249T>A (p.Ser417Thr)

Gene: OFD1 (OFD1 centriole and centriolar satellite protein; plus strand). Cytogenetic location: Xp22.2.
Variant type: single nucleotide variant.
Coding change: c.1249T>A on transcript NM_003611.3 (MANE Select); coding-DNA position 1249, T replaced by A.
Protein change: p.Ser417Thr; replaces serine 417 with threonine.
Molecular consequence: missense variant.
Genome position (GRCh38, 1-based): chrX:13,756,605, T>A. VCF-style: chrX-13756605-T-A. GRCh37 (hg19) VCF-style: chrX-13774724-T-A.
Other names: c.1129T>A, p.Ser377Thr (NM_001330209.2); c.829T>A, p.Ser277Thr (NM_001330210.2); short protein forms S277T, S377T, S417T.
Identifiers: ClinVar variation 2575845 (VCV002575845.1), dbSNP rs2518910107, ClinGen allele CA412342544.